The following is an entry in ClinVar:

NM_004168.4(SDHA):c.868C>T (p.Leu290=)

Gene: SDHA (succinate dehydrogenase complex flavoprotein subunit A; plus strand). Cytogenetic location: 5p15.33.
Variant type: single nucleotide variant.
Coding change: c.868C>T on transcript NM_004168.4 (MANE Select); coding-DNA position 868, C replaced by T.
Protein change: p.Leu290=; no amino-acid change (leucine 290 retained).
Molecular consequence: synonymous variant.
Genome position (GRCh38, 1-based): chr5:230,973, C>T. VCF-style: chr5-230973-C-T. GRCh37 (hg19) VCF-style: chr5-231088-C-T.
Other names: c.724C>T, p.Leu242= (NM_001294332.2); c.868C>T, p.Leu290= (NM_001330758.2).
Identifiers: ClinVar variation 1106032 (VCV001106032.10), dbSNP rs2126568639, ClinGen allele CA442691521.

ClinVar aggregate classification (germline): Benign/Likely benign. Review status: criteria provided, multiple submitters, no conflicts (2 of 4 stars). 2 submissions from 2 submitters: Benign (1); Likely benign (1). Last evaluated 2025-03-03.

Conditions:
Pheochromocytoma/paraganglioma syndrome 5. Also called: Paragangliomas 5; SDHA-Related Hereditary Paraganglioma-Pheochromocytoma Syndrome. Identifiers: Orphanet 29072, MedGen C3279992, MONDO:0013602, OMIM 614165.
Mitochondrial complex II deficiency, nuclear type 1. Also called: SUCCINATE CoQ REDUCTASE DEFICIENCY. Identifiers: Orphanet 3208, MedGen C5700310, MONDO:0100294, OMIM 252011.

Allele frequency attached by ClinVar (database versions not stated): gnomAD exomes below 0.00001.
gnomAD v4.1: 1 of 1,613,980 alleles (0.000062%); highest among the groups gnomAD compares: Non-Finnish European, 0.000085%; no homozygotes.

Submissions (2):

Myriad Genetics, Inc.
Classification: Benign for Pheochromocytoma/paraganglioma syndrome 5. Last evaluated: 2025-03-03. Review status: criteria provided, single submitter. Criteria: Myriad Autosomal Dominant, Autosomal Recessive and X-Linked Classification Criteria (2023). Collection method: clinical testing. Allele origin: unknown.
Comment: This variant is considered benign. This variant is a silent/synonymous amino acid change and it is not expected to impact splicing.

Labcorp Genetics (formerly Invitae), Labcorp
Classification: Likely benign for Pheochromocytoma/paraganglioma syndrome 5; Mitochondrial complex II deficiency, nuclear type 1. Last evaluated: 2021-07-15. Review status: criteria provided, single submitter. Criteria: Invitae Variant Classification Sherloc (09022015). Collection method: clinical testing. Allele origin: germline.